The following is an entry in ClinVar:

ClinVar aggregate classification (germline): Pathogenic. Review status: reviewed by expert panel (3 of 4 stars). 2 submissions from 2 submitters: Pathogenic (1). 1 of the submissions does not count toward it. Last evaluated 2016-10-18.

Conditions:
Breast-ovarian cancer, familial, susceptibility to, 2 (BROVCA2). Also called: BRCA2 Hereditary Breast and Ovarian Cancer. Identifiers: Orphanet 145, MedGen C2675520, MONDO:0012933, OMIM 612555. Disease mechanism: loss of function.

Submissions (2):

Evidence-based Network for the Interpretation of Germline Mutant Alleles (ENIGMA)
Classification: Pathogenic for Breast-ovarian cancer, familial, susceptibility to, 2. Last evaluated: 2016-10-18. Review status: reviewed by expert panel. Criteria: ENIGMA BRCA1/2 Classification Criteria (2015). Collection method: curation. Allele origin: germline.
Comment: Variant allele predicted to encode a truncated non-functional protein.

Consortium of Investigators of Modifiers of BRCA1/2 (CIMBA), c/o University of Cambridge
Classification: Pathogenic for Breast-ovarian cancer, familial, susceptibility to, 2. Last evaluated: 2015-10-02. Review status: criteria provided, single submitter. Criteria: CIMBA Mutation Classification guidelines May 2016. Collection method: clinical testing. Allele origin: germline. Not counted in ClinVar's aggregate classification.

NM_000059.4(BRCA2):c.8645_8646del (p.Lys2882fs)

Gene: BRCA2 (BRCA2 DNA repair associated; plus strand). Cytogenetic location: 13q13.1.
Variant type: Deletion.
Coding change: c.8645_8646del on transcript NM_000059.4 (MANE Select); coding-DNA positions 8645 to 8646, 2 bases deleted (AA; older notation c.8645_8646delAA).
Protein change: p.Lys2882fs; shifts the reading frame from lysine 2882.
Molecular consequence: frameshift variant.
Genome position (GRCh38, 1-based): chr13:32,376,682-32,376,683, AA deleted; deleting any 2 consecutive bases within chr13:32,376,680-32,376,683 gives the same sequence; the c. name uses the placement nearest the transcript's 3' end. VCF-style (leftmost placement, unchanged base first): chr13-32376679-CAA-C. GRCh37 (hg19) VCF-style: chr13-32950816-CAA-C.
Other names: 8871delAA-ter; short protein forms K2882fs.
Identifiers: ClinVar variation 267100 (VCV000267100.5), dbSNP rs886040785, ClinGen allele CA10589510.